The following is an entry in ClinVar:

NM_020884.7(MYH7B):c.624+8T>C

Gene: MYH7B (myosin heavy chain 7B; plus strand). Cytogenetic location: 20q11.22.
Variant type: single nucleotide variant.
Coding change: c.624+8T>C on transcript NM_020884.7 (MANE Select); 8 bases into the intron after coding-DNA position 624, T replaced by C.
Molecular consequence: intron variant.
Genome position (GRCh38, 1-based): chr20:34,982,563, T>C. VCF-style: chr20-34982563-T-C. GRCh37 (hg19) VCF-style: chr20-33570366-T-C.
Identifiers: ClinVar variation 4979169 (VCV004979169.1).

ClinVar aggregate classification (germline): Likely benign (1 of 4 stars; one submission).

Conditions:
MYH7B-related disorder. Also called: MYH7B-related condition.

Submission:

PreventionGenetics, part of Exact Sciences
Classification: Likely benign for MYH7B-related condition. Last evaluated: 2026-07-19. Review status: criteria provided, single submitter. Criteria: ACMG Guidelines, 2015. Collection method: clinical testing. Allele origin: germline.
Comment: This variant is classified as likely benign based on ACMG/AMP sequence variant interpretation guidelines (Richards et al. 2015 PMID: 25741868, with internal and published modifications).